The following is an entry in ClinVar:

ClinVar aggregate classification (germline): Uncertain significance (1 of 4 stars; one submission).

Conditions:
Succinate-semialdehyde dehydrogenase deficiency (SSADHD). Also called: Succinic Semialdehyde Dehydrogenase Deficiency; 4-HYDROXYBUTYRIC ACIDURIA; GABA METABOLIC DEFECT; SSADH DEFICIENCY. Identifiers: Orphanet 22, MedGen C0268631, MONDO:0010083, OMIM 271980.

Submission:

Labcorp Genetics (formerly Invitae), Labcorp
Classification: Uncertain significance for Succinate-semialdehyde dehydrogenase deficiency. Last evaluated: 2021-12-02. Review status: criteria provided, single submitter. Criteria: Invitae Variant Classification Sherloc (09022015). Collection method: clinical testing. Allele origin: germline.
Comment: Advanced modeling of protein sequence and biophysical properties (such as structural, functional, and spatial information, amino acid conservation, physicochemical variation, residue mobility, and thermodynamic stability) performed at Invitae indicates that this missense variant is not expected to disrupt ALDH5A1 protein function. This variant has not been reported in the literature in individuals affected with ALDH5A1-related conditions. This variant is not present in population databases (gnomAD no frequency). This sequence change replaces alanine, which is neutral and non-polar, with valine, which is neutral and non-polar, at codon 328 of the ALDH5A1 protein (p.Ala328Val). In summary, the available evidence is currently insufficient to determine the role of this variant in disease. Therefore, it has been classified as a Variant of Uncertain Significance.

NM_001080.3(ALDH5A1):c.983C>T (p.Ala328Val)

Gene: ALDH5A1 (aldehyde dehydrogenase 5 family member A1; plus strand). Cytogenetic location: 6p22.3.
Variant type: single nucleotide variant.
Coding change: c.983C>T on transcript NM_001080.3 (MANE Select); coding-DNA position 983, C replaced by T.
Protein change: p.Ala328Val; replaces alanine 328 with valine.
Molecular consequence: missense variant.
Genome position (GRCh38, 1-based): chr6:24,520,513, C>T. VCF-style: chr6-24520513-C-T. GRCh37 (hg19) VCF-style: chr6-24520741-C-T.
Other names: c.839C>T, p.Ala280Val (NM_001368954.1); c.1022C>T, p.Ala341Val (NM_170740.1); short protein forms A341V, A280V, A328V.
Identifiers: ClinVar variation 1488985 (VCV001488985.6), dbSNP rs1043375819, ClinGen allele CA362974501.
Genomic context (GRCh38, chr6:24,520,513, plus strand): 5'-GCGGCCTTGCTCCATTTATAGTATTTGACAGTGCCAACGTGGACCAGGCTGTAGCAGGGG[C>T]CATGGCATCTAAATTTAGGAACACTGGACAGGTGAGTCCTGGAGAGTATTTCAGGATGTG-3'
Protein context (NP_001071.1, residues 318-338): SANVDQAVAG[Ala328Val]MASKFRNTGQ